The following is an entry in ClinVar:

ClinVar aggregate classification (germline): Likely benign (0 of 4 stars; one submission).

Conditions:
KCNQ1-related disorder. Also called: KCNQ1-related condition; KCNQ1-related disorders. Identifiers: MedGen CN239322.

Allele frequency attached by ClinVar (database versions not stated): gnomAD 0.00001.
gnomAD v4.1: 1 of 398,526 alleles (0.00025%); highest among the groups gnomAD compares: African/African-American, 0.0021%; no homozygotes.

Submission:

PreventionGenetics, part of Exact Sciences
Classification: Likely benign for KCNQ1-related condition. Last evaluated: 2020-03-23. Review status: no assertion criteria provided. Collection method: clinical testing. Allele origin: germline.
Comment: This variant is classified as likely benign based on ACMG/AMP sequence variant interpretation guidelines (Richards et al. 2015 PMID: 25741868, with internal and published modifications).

NM_000218.3(KCNQ1):c.1514+4271T>C

Genes: KCNQ1 (potassium voltage-gated channel subfamily Q member 1; plus strand), KCNQ1OT1 (KCNQ1 opposite strand/antisense transcript 1; minus strand). Cytogenetic location: 11p15.5.
Variant type: single nucleotide variant.
Coding change: c.1514+4271T>C on transcript NM_000218.3 (MANE Select); 4271 bases into the intron after coding-DNA position 1514, T replaced by C.
Molecular consequence: intron variant. On other transcripts: non-coding transcript variant (1).
Genome position (GRCh38, 1-based): chr11:2,666,352, T>C. VCF-style: chr11-2666352-T-C. GRCh37 (hg19) VCF-style: chr11-2687582-T-C.
Other names: c.1244+4271T>C (NM_001406837.1); c.1418+4271T>C (NM_001406836.1); c.974+4271T>C (NM_001406838.1); c.1133+4271T>C (NM_181798.2).
Identifiers: ClinVar variation 3042150 (VCV003042150.2), dbSNP rs1850067147, ClinGen allele CA472738719.